The following is an entry in ClinVar:

ClinVar aggregate classification (germline): Uncertain significance (1 of 4 stars; one submission).

Submission:

GeneDx
Classification: Uncertain significance. Last evaluated: 2022-04-28. Review status: criteria provided, single submitter. Criteria: GeneDx Variant Classification Process June 2021. Collection method: clinical testing. Allele origin: germline. Affected: yes.
Comment: Not observed at significant frequency in large population cohorts (gnomAD); In silico analysis supports that this missense variant does not alter protein structure/function; Has not been previously published as pathogenic or benign to our knowledge

NM_021224.6(ZNF462):c.6807G>A (p.Met2269Ile)

Gene: ZNF462 (zinc finger protein 462; plus strand). Cytogenetic location: 9q31.2.
Variant type: single nucleotide variant.
Coding change: c.6807G>A on transcript NM_021224.6 (MANE Select); coding-DNA position 6807, G replaced by A.
Protein change: p.Met2269Ile; replaces methionine 2269 with isoleucine.
Molecular consequence: missense variant.
Genome position (GRCh38, 1-based): chr9:106,974,248, G>A. VCF-style: chr9-106974248-G-A. GRCh37 (hg19) VCF-style: chr9-109736529-G-A.
Other names: c.4212G>A, p.Met1404Ile (NM_001347997.2); short protein forms M1404I, M2269I.
Identifiers: ClinVar variation 1712622 (VCV001712622.2), dbSNP rs2539308760, ClinGen allele CA374660213.